The following is an entry in ClinVar:

ClinVar aggregate classification (germline): Uncertain significance. Review status: criteria provided, single submitter (1 of 4 stars). 2 submissions from 2 submitters: Uncertain significance (1). 1 of the submissions does not count toward it. Last evaluated 2023-12-12.

Conditions:
RARS2-related disorder. Also called: RARS2-related condition.

Allele frequency attached by ClinVar (database versions not stated): ExAC 0.00010; ESP Exome Variant Server 0.00015; gnomAD 0.00019; TOPMed 0.00023.

Submissions (2):

Women's Health and Genetics/Laboratory Corporation of America, LabCorp
Classification: Uncertain significance. Last evaluated: 2023-12-12. Review status: criteria provided, single submitter. Criteria: LabCorp Variant Classification Summary - May 2015. Collection method: clinical testing. Allele origin: germline.

PreventionGenetics, part of Exact Sciences
Classification: Likely benign for RARS2-related condition. Last evaluated: 2019-12-18. Review status: no assertion criteria provided. Collection method: clinical testing. Allele origin: germline. Not counted in ClinVar's aggregate classification.
Comment: This variant is classified as likely benign based on ACMG/AMP sequence variant interpretation guidelines (Richards et al. 2015 PMID: 25741868, with internal and published modifications).

NM_020320.5(RARS2):c.213+4C>T

Gene: RARS2 (arginyl-tRNA synthetase 2, mitochondrial; minus strand). Cytogenetic location: 6q15.
Variant type: single nucleotide variant.
Coding change: c.213+4C>T on transcript NM_020320.5 (MANE Select); 4 bases into the intron after coding-DNA position 213, C replaced by T.
Molecular consequence: intron variant.
Genome position (GRCh38, 1-based): chr6:87,564,126, G>A on the plus strand (C>T on the coding strand, the complement: RARS2 is on the minus strand). VCF-style: chr6-87564126-G-A. GRCh37 (hg19) VCF-style: chr6-88273844-G-A.
Other names: c.213+4C>T (NM_001350505.2, NM_020320.4); c.-257+4C>T (NM_001350509.2, NM_001318785.2); c.-313+4C>T (NM_001350506.2, NM_001350510.2, NM_001350511.2 and 1 more transcripts); c.-475+4C>T (NM_001350508.2).
Identifiers: ClinVar variation 2691640 (VCV002691640.3), dbSNP rs371738618, ClinGen allele CA3916730.